The following is an entry in ClinVar:

ClinVar aggregate classification (germline): Likely benign (1 of 4 stars; one submission).

Conditions:
PROK2-related disorder. Also called: PROK2-related condition.

Submission:

PreventionGenetics, part of Exact Sciences
Classification: Likely benign for PROK2-related condition. Last evaluated: 2025-04-22. Review status: criteria provided, single submitter. Criteria: ACMG Guidelines, 2015. Collection method: clinical testing. Allele origin: germline.
Comment: This variant is classified as likely benign based on ACMG/AMP sequence variant interpretation guidelines (Richards et al. 2015 PMID: 25741868, with internal and published modifications).

NM_001126128.2(PROK2):c.-9G>C

Gene: PROK2 (prokineticin 2; minus strand). Cytogenetic location: 3p13.
Variant type: single nucleotide variant.
Coding change: c.-9G>C on transcript NM_001126128.2 (MANE Select); 9 bases upstream of the start codon, G replaced by C.
Molecular consequence: 5 prime UTR variant.
Genome position (GRCh38, 1-based): chr3:71,785,061, C>G on the plus strand (G>C on the coding strand, the complement: PROK2 is on the minus strand). VCF-style: chr3-71785061-C-G. GRCh37 (hg19) VCF-style: chr3-71834212-C-G.
Other names: c.-9G>C (NM_021935.4).
Identifiers: ClinVar variation 4981681 (VCV004981681.1).
Genomic context (GRCh38, chr3:71,785,061, plus strand): 5'-GCGGCGGCAGCAGCAAGAGGAGCAGGAGTGGGGCGCAGCACAGGCTCCTCATGGCGCCCT[C>G]GGGACTGGGCGGCCGCCGGAGGCAGTTGGGGGCGCGGGGCCCGGGTGCGCTGGGTGGAGC-3'